The following is an entry in ClinVar:

ClinVar aggregate classification (germline): Likely benign (1 of 4 stars; one submission).

gnomAD v4.1: 24 of 1,614,066 alleles (0.0015%); highest among the groups gnomAD compares: South Asian, 0.025%; no homozygotes.

Submission:

CeGaT Center for Human Genetics Tuebingen
Classification: Likely benign. Last evaluated: 2025-07-01. Review status: criteria provided, single submitter. Criteria: CeGaT Center For Human Genetics Tuebingen Variant Classification Criteria Version 2. Collection method: clinical testing. Allele origin: germline. Affected: yes. Observed: 1 variant allele.
Comment: ADNP: BP4

NM_001282531.3(ADNP):c.2001C>T (p.Cys667=)

Gene: ADNP (activity dependent neuroprotector homeobox; minus strand). Cytogenetic location: 20q13.13.
Variant type: single nucleotide variant.
Coding change: c.2001C>T on transcript NM_001282531.3 (MANE Select); coding-DNA position 2001, C replaced by T.
Protein change: p.Cys667=; no amino-acid change (cysteine 667 retained).
Molecular consequence: synonymous variant.
Genome position (GRCh38, 1-based): chr20:50,892,713, G>A on the plus strand (C>T on the coding strand, the complement: ADNP is on the minus strand). VCF-style: chr20-50892713-G-A. GRCh37 (hg19) VCF-style: chr20-49509250-G-A.
Other names: c.2001C>T, p.Cys667= (NM_001282532.2, NM_001347511.2, NM_015339.5 and 1 more transcripts); c.2217C>T, p.Cys739= (NM_001439000.1); c.1317C>T, p.Cys439= (NM_001439001.1).
Identifiers: ClinVar variation 4085564 (VCV004085564.8).